The following is an entry in ClinVar:

ClinVar aggregate classification (germline): Benign/Likely benign. Review status: criteria provided, multiple submitters, no conflicts (2 of 4 stars). 4 submissions from 4 submitters: Benign (1); Likely benign (3). Last evaluated 2026-10-01.

Conditions:
POLR3B-related disorder. Also called: POLR3B-related condition; POLR3B-related disorders. Identifiers: MedGen CN378588, MONDO:0700277.
Leukodystrophy, hypomyelinating, 8, with or without oligodontia and/or hypogonadotropic hypogonadism. Also called: LEUKODYSTROPHY, HYPOMYELINATING, 8, WITH HYPODONTIA AND HYPOGONADOTROPIC HYPOGONADISM; Hypomyelinating leukodystrophy 8 with or without oligodontia and-or hypogonadotropic hypogonadism; Endosteal sclerosis-cerebellar hypoplasia syndrome. Identifiers: Orphanet 85186, Orphanet 88637, MedGen C3280644, MONDO:0013722, OMIM 614381.

Allele frequency attached by ClinVar (database versions not stated): TOPMed 0.00008; gnomAD exomes 0.00104 and 0.00051; gnomAD 0.00031 and below 0.00001; ExAC 0.00123; 1000 Genomes Project 30x 0.00281; 1000 Genomes Project 0.00300.
gnomAD v4.1: 815 of 1,612,872 alleles (0.051%); highest among the groups gnomAD compares: South Asian, 0.82%; 10 homozygotes.

Submissions (4):

CeGaT Center for Human Genetics Tuebingen
Classification: Likely benign. Last evaluated: 2026-10-01. Review status: criteria provided, single submitter. Criteria: CeGaT Center For Human Genetics Tuebingen Variant Classification Criteria Version 2. Collection method: clinical testing. Allele origin: germline. Affected: yes. Observed: 2 variant alleles.
Comment: POLR3B: BP4, BP7

PreventionGenetics, part of Exact Sciences
Classification: Likely benign for POLR3B-related condition. Last evaluated: 2025-12-30. Review status: criteria provided, single submitter. Criteria: ACMG Guidelines, 2015. Collection method: clinical testing. Allele origin: germline.
Comment: This variant is classified as likely benign based on ACMG/AMP sequence variant interpretation guidelines (Richards et al. 2015 PMID: 25741868, with internal and published modifications).

Labcorp Genetics (formerly Invitae), Labcorp
Classification: Benign. Last evaluated: 2025-10-04. Review status: criteria provided, single submitter. Criteria: Invitae Variant Classification Sherloc (09022015). Collection method: clinical testing. Allele origin: germline.

Illumina Laboratory Services, Illumina
Classification: Likely benign for Leukodystrophy, hypomyelinating, 8, with or without oligodontia and/or hypogonadotropic hypogonadism. Last evaluated: 2018-01-13. Review status: criteria provided, single submitter. Criteria: ICSL Variant Classification Criteria 13 December 2019. Collection method: clinical testing. Allele origin: germline.
Comment: This variant was observed in the ICSL laboratory as part of a predisposition screen in an ostensibly healthy population. It had not been previously curated by ICSL or reported in the Human Gene Mutation Database (HGMD: prior to June 1st, 2018), and was therefore a candidate for classification through an automated scoring system. Utilizing variant allele frequency, disease prevalence and penetrance estimates, and inheritance mode, an automated score was calculated to assess if this variant is too frequent to cause the disease. Based on the score and internal cut-off values, a variant classified as likely benign is not then subjected to further curation. The score for this variant resulted in a classification of likely benign for this disease.

NM_018082.6(POLR3B):c.1776A>T (p.Leu592=)

Gene: POLR3B (RNA polymerase III subunit B; plus strand). Cytogenetic location: 12q23.3.
Variant type: single nucleotide variant.
Coding change: c.1776A>T on transcript NM_018082.6 (MANE Select); coding-DNA position 1776, A replaced by T.
Protein change: p.Leu592=; no amino-acid change (leucine 592 retained).
Molecular consequence: synonymous variant.
Genome position (GRCh38, 1-based): chr12:106,433,867, A>T. VCF-style: chr12-106433867-A-T. GRCh37 (hg19) VCF-style: chr12-106827645-A-T.
Other names: c.1602A>T, p.Leu534= (NM_001160708.2).
Identifiers: ClinVar variation 306937 (VCV000306937.44), dbSNP rs201223367, ClinGen allele CA6762007.